The following is an entry in ClinVar:

ClinVar aggregate classification (germline): Likely pathogenic (1 of 4 stars; one submission).

Conditions:
T-B+ severe combined immunodeficiency due to JAK3 deficiency. Also called: SCID, autosomal recessive, T-negative/B-positive type; SCID, T CELL-NEGATIVE, B CELL-POSITIVE, NK CELL-NEGATIVE. Identifiers: Orphanet 35078, MedGen C1833275, MONDO:0010938, OMIM 600802.

Allele frequency attached by ClinVar (database versions not stated): gnomAD exomes below 0.00001.
gnomAD v4.1: 2 of 1,575,992 alleles (0.00013%); highest among the groups gnomAD compares: Non-Finnish European, 0.00017%; no homozygotes.

Submission:

Labcorp Genetics (formerly Invitae), Labcorp
Classification: Likely pathogenic for T-B+ severe combined immunodeficiency due to JAK3 deficiency. Last evaluated: 2023-09-15. Review status: criteria provided, single submitter. Criteria: Invitae Variant Classification Sherloc (09022015). Collection method: clinical testing. Allele origin: germline.
Comment: This sequence change affects a donor splice site in intron 10 of the JAK3 gene. It is expected to disrupt RNA splicing. Variants that disrupt the donor or acceptor splice site typically lead to a loss of protein function (PMID: 16199547), and loss-of-function variants in JAK3 are known to be pathogenic (PMID: 7481768, 11668621). This variant is not present in population databases (gnomAD no frequency). This variant has not been reported in the literature in individuals affected with JAK3-related conditions. Algorithms developed to predict the effect of sequence changes on RNA splicing suggest that this variant may disrupt the consensus splice site. In summary, the currently available evidence indicates that the variant is pathogenic, but additional data are needed to prove that conclusively. Therefore, this variant has been classified as Likely Pathogenic.

Literature cited by the submitters: PubMed 16199547; PubMed 7481768; PubMed 11668621.

NM_000215.4(JAK3):c.1441+1G>T

Gene: JAK3 (Janus kinase 3; minus strand). Cytogenetic location: 19p13.11.
Variant type: single nucleotide variant.
Coding change: c.1441+1G>T on transcript NM_000215.4 (MANE Select); the canonical splice donor site of the intron after coding-DNA position 1441, G replaced by T.
Molecular consequence: splice donor variant.
Genome position (GRCh38, 1-based): chr19:17,839,476, C>A on the plus strand (G>T on the coding strand, the complement: JAK3 is on the minus strand). VCF-style: chr19-17839476-C-A. GRCh37 (hg19) VCF-style: chr19-17950285-C-A.
Identifiers: ClinVar variation 2997577 (VCV002997577.3), dbSNP rs1267244210, ClinGen allele CA404770112.